The following is an entry in ClinVar:

ClinVar aggregate classification (germline): Pathogenic (1 of 4 stars; one submission).

Submission:

Labcorp Genetics (formerly Invitae), Labcorp
Classification: Pathogenic. Last evaluated: 2023-01-14. Review status: criteria provided, single submitter. Criteria: Invitae Variant Classification Sherloc (09022015). Collection method: clinical testing. Allele origin: germline.
Comment: For these reasons, this variant has been classified as Pathogenic. This variant has not been reported in the literature in individuals affected with FOXRED1-related conditions. This variant is not present in population databases (gnomAD no frequency). This sequence change creates a premature translational stop signal (p.Ser131*) in the FOXRED1 gene. It is expected to result in an absent or disrupted protein product. Loss-of-function variants in FOXRED1 are known to be pathogenic (PMID: 20818383, 20858599).

Literature cited by the submitters: PubMed 20818383; PubMed 20858599.

NM_017547.4(FOXRED1):c.392C>A (p.Ser131Ter)

Gene: FOXRED1 (FAD dependent oxidoreductase domain containing 1; plus strand). Cytogenetic location: 11q24.2.
Variant type: single nucleotide variant.
Coding change: c.392C>A on transcript NM_017547.4 (MANE Select); coding-DNA position 392, C replaced by A.
Protein change: p.Ser131Ter; replaces serine 131 with a stop codon.
Molecular consequence: nonsense. On other transcripts: non-coding transcript variant (2).
Genome position (GRCh38, 1-based): chr11:126,273,054, C>A. VCF-style: chr11-126273054-C-A. GRCh37 (hg19) VCF-style: chr11-126142949-C-A.
Other names: c.392C>A, p.Ser131Ter (NM_001425160.1, NM_001425161.1, NM_001425163.1 and 4 more transcripts); c.-119C>A (NM_001425168.1, NM_001425170.1); c.-139C>A (NM_001425169.1); c.-166C>A (NM_001425171.1, NM_001425172.1); c.-147C>A (NM_001425173.1, NM_001425174.1, NM_001425175.1); short protein forms S131*.
Identifiers: ClinVar variation 2828419 (VCV002828419.3), dbSNP rs2497176600, ClinGen allele CA383229524.
Genomic context (GRCh38, chr11:126,273,054, plus strand): 5'-CAGTAGGTGGGATTTGTCAGCAGTTCTCATTGCCTGAGAACATCCAGCTCTCCCTCTTTT[C>A]AGCCAGCTTTCTACGGAACATCAATGTAGGTGCAATGATATCCGGGATGTTGGGGTGGTT-3'